The following is an entry in ClinVar:

NM_001082971.2(DDC):c.781+1G>C

Gene: DDC (dopa decarboxylase; minus strand). Cytogenetic location: 7p12.1.
Variant type: single nucleotide variant.
Coding change: c.781+1G>C on transcript NM_001082971.2 (MANE Select); the canonical splice donor site of the intron after coding-DNA position 781, G replaced by C.
Molecular consequence: splice donor variant.
Genome position (GRCh38, 1-based): chr7:50,503,992, C>G on the plus strand (G>C on the coding strand, the complement: DDC is on the minus strand). VCF-style: chr7-50503992-C-G. GRCh37 (hg19) VCF-style: chr7-50571690-C-G.
Other names: c.547+1G>C (NM_001242888.2); c.667+1G>C (NM_001242886.2); c.502+1G>C (NM_001242889.2); c.637+1G>C (NM_001242887.2); c.781+1G>C (NM_000790.4, NM_001242890.2).
Identifiers: ClinVar variation 4765110 (VCV004765110.1).

ClinVar aggregate classification (germline): Likely pathogenic (1 of 4 stars; one submission).

Conditions:
Deficiency of aromatic-L-amino-acid decarboxylase. Also called: Aromatic amino acid decarboxylase deficiency; AADC DEFICIENCY; DDC DEFICIENCY; DOPA DECARBOXYLASE DEFICIENCY; Aromatic L-Amino Acid Decarboxylase Deficiency. Identifiers: Orphanet 35708, MedGen C1291564, MONDO:0012084, OMIM 608643.

gnomAD v4.1: 1 of 1,611,712 alleles (0.000062%); highest among the groups gnomAD compares: Non-Finnish European, 0.000085%; no homozygotes.

Submission:

Labcorp Genetics (formerly Invitae), Labcorp
Classification: Likely pathogenic for Deficiency of aromatic-L-amino-acid decarboxylase. Last evaluated: 2025-03-19. Review status: criteria provided, single submitter. Criteria: Invitae Variant Classification Sherloc (09022015). Collection method: clinical testing. Allele origin: germline.
Comment: This sequence change affects a donor splice site in intron 7 of the DDC gene. It is expected to disrupt RNA splicing. Variants that disrupt the donor or acceptor splice site typically lead to a loss of protein function (PMID: 16199547), and loss-of-function variants in DDC are known to be pathogenic (PMID: 15079002, 24788355). This variant is not present in population databases (gnomAD no frequency). This variant has not been reported in the literature in individuals affected with DDC-related conditions. Algorithms developed to predict the effect of sequence changes on RNA splicing suggest that this variant may disrupt the consensus splice site. In summary, the currently available evidence indicates that the variant is pathogenic, but additional data are needed to prove that conclusively. Therefore, this variant has been classified as Likely Pathogenic.

Literature cited by the submitters: PubMed 16199547; PubMed 15079002; PubMed 24788355.